The following is an entry in ClinVar:

ClinVar aggregate classification (germline): Uncertain significance (1 of 4 stars; one submission).

Conditions:
Malignant hyperthermia, susceptibility to, 1 (MHS1). Also called: RYR1-Related Malignant Hyperthermia Susceptibility; Malignant hyperthermia suceptibility 1; Anesthesia related hyperthermia; Malignant hyperpyrexia; Fulminating hyperpyrexia; Pharmacogenic myopathy. Identifiers: Orphanet 423, MedGen C2930980, MONDO:0007783, OMIM 145600.

Submission:

Color Diagnostics, LLC DBA Color Health
Classification: Uncertain significance for Malignant hyperthermia, susceptibility to, 1. Last evaluated: 2025-06-23. Review status: criteria provided, single submitter. Criteria: ACMG Guidelines, 2015. Collection method: clinical testing. Allele origin: germline.
Comment: This missense variant replaces proline with serine at codon 3695 of the RYR1 protein. Computational prediction is inconclusive regarding the impact of this variant on protein structure and function. To our knowledge, functional studies have not been reported for this variant. This variant has not been reported in individuals affected with RYR1-related disorders in the literature. This variant has been identified in 1/247934 chromosomes in the general population by the Genome Aggregation Database (gnomAD). The available evidence is insufficient to determine the role of this variant in disease conclusively. Therefore, this variant is classified as a Variant of Uncertain Significance.

NM_000540.3(RYR1):c.11083C>T (p.Pro3695Ser)

Gene: RYR1 (ryanodine receptor 1; plus strand). Cytogenetic location: 19q13.2.
Variant type: single nucleotide variant.
Coding change: c.11083C>T on transcript NM_000540.3 (MANE Select); coding-DNA position 11083, C replaced by T.
Protein change: p.Pro3695Ser; replaces proline 3695 with serine.
Molecular consequence: missense variant.
Genome position (GRCh38, 1-based): chr19:38,528,999, C>T. VCF-style: chr19-38528999-C-T. GRCh37 (hg19) VCF-style: chr19-39019639-C-T.
Other names: c.11068C>T, p.Pro3690Ser (NM_001042723.2); short protein forms P3690S, P3695S.
Identifiers: ClinVar variation 4756839 (VCV004756839.1).